The following is an entry in ClinVar:

ClinVar aggregate classification (germline): Benign/Likely benign. Review status: criteria provided, multiple submitters, no conflicts (2 of 4 stars). 2 submissions from 2 submitters: Benign (1); Likely benign (1). Last evaluated 2025-12-03.

Conditions:
Mowat-Wilson syndrome (MOWS). Also called: Classic Mowat-Wilson Syndrome. Identifiers: Orphanet 2152, MedGen C1856113, MONDO:0009341, OMIM 235730.

Allele frequency attached by ClinVar (database versions not stated): ExAC 0.00001; gnomAD 0.00001; gnomAD exomes 0.00002 and 0.00007; TOPMed 0.00003.
gnomAD v4.1: 104 of 1,612,732 alleles (0.0064%); highest among the groups gnomAD compares: Non-Finnish European, 0.0085%; no homozygotes.

Submissions (2):

Labcorp Genetics (formerly Invitae), Labcorp
Classification: Likely benign for Mowat-Wilson syndrome. Last evaluated: 2025-12-03. Review status: criteria provided, single submitter. Criteria: Invitae Variant Classification Sherloc (09022015). Collection method: clinical testing. Allele origin: germline.

GeneDx
Classification: Benign. Last evaluated: 2013-02-11. Review status: criteria provided, single submitter. Criteria: GeneDx Variant Classification (06012015). Collection method: clinical testing. Allele origin: germline. Affected: yes.
Comment: This variant is considered likely benign or benign based on one or more of the following criteria: it is a conservative change, it occurs at a poorly conserved position in the protein, it is predicted to be benign by multiple in silico algorithms, and/or has population frequency not consistent with disease.

NM_014795.4(ZEB2):c.2886+14T>C

Gene: ZEB2 (zinc finger E-box binding homeobox 2; minus strand). Cytogenetic location: 2q22.3.
Variant type: single nucleotide variant.
Coding change: c.2886+14T>C on transcript NM_014795.4 (MANE Select); 14 bases into the intron after coding-DNA position 2886, T replaced by C.
Molecular consequence: intron variant.
Genome position (GRCh38, 1-based): chr2:144,398,287, A>G on the plus strand (T>C on the coding strand, the complement: ZEB2 is on the minus strand). VCF-style: chr2-144398287-A-G. GRCh37 (hg19) VCF-style: chr2-145155854-A-G.
Other names: c.2814+14T>C (NM_001171653.2).
Identifiers: ClinVar variation 137953 (VCV000137953.5), dbSNP rs587780995, ClinGen allele CA291679.